The following is an entry in ClinVar:

ClinVar aggregate classification (germline): Conflicting classifications of pathogenicity. Review status: criteria provided, conflicting classifications (1 of 4 stars). 2 submissions from 2 submitters: Uncertain significance (1); Likely benign (1). Last evaluated 2024-11-28.

Conditions:
NTRK2-related disorder. Also called: NTRK2-related condition.

Allele frequency attached by ClinVar (database versions not stated): gnomAD 0.00001; gnomAD exomes 0.00001 and 0.00003; TOPMed 0.00001; ExAC 0.00002; ESP Exome Variant Server 0.00008.
gnomAD v4.1: 13 of 1,613,386 alleles (0.00081%); highest among the groups gnomAD compares: Admixed American, 0.005%; 1 homozygote.

Submissions (2):

PreventionGenetics, part of Exact Sciences
Classification: Likely benign for NTRK2-related condition. Last evaluated: 2024-11-28. Review status: criteria provided, single submitter. Criteria: ACMG Guidelines, 2015. Collection method: clinical testing. Allele origin: germline.
Comment: This variant is classified as likely benign based on ACMG/AMP sequence variant interpretation guidelines (Richards et al. 2015 PMID: 25741868, with internal and published modifications).

Labcorp Genetics (formerly Invitae), Labcorp
Classification: Uncertain significance. Last evaluated: 2024-03-26. Review status: criteria provided, single submitter. Criteria: Invitae Variant Classification Sherloc (09022015). Collection method: clinical testing. Allele origin: germline.
Comment: This sequence change replaces valine, which is neutral and non-polar, with isoleucine, which is neutral and non-polar, at codon 422 of the NTRK2 protein (p.Val422Ile). This variant is present in population databases (rs137873897, gnomAD 0.01%). This variant has not been reported in the literature in individuals affected with NTRK2-related conditions. ClinVar contains an entry for this variant (Variation ID: 1376947). Advanced modeling of protein sequence and biophysical properties (such as structural, functional, and spatial information, amino acid conservation, physicochemical variation, residue mobility, and thermodynamic stability) performed at Invitae indicates that this missense variant is not expected to disrupt NTRK2 protein function with a negative predictive value of 80%. In summary, the available evidence is currently insufficient to determine the role of this variant in disease. Therefore, it has been classified as a Variant of Uncertain Significance.

NM_006180.6(NTRK2):c.1264G>A (p.Val422Ile)

Gene: NTRK2 (neurotrophic receptor tyrosine kinase 2; plus strand). Cytogenetic location: 9q21.33.
Variant type: single nucleotide variant.
Coding change: c.1264G>A on transcript NM_006180.6 (MANE Select); coding-DNA position 1264, G replaced by A.
Protein change: p.Val422Ile; replaces valine 422 with isoleucine.
Molecular consequence: missense variant.
Genome position (GRCh38, 1-based): chr9:84,745,041, G>A. VCF-style: chr9-84745041-G-A. GRCh37 (hg19) VCF-style: chr9-87359956-G-A.
Other names: c.1264G>A, p.Val422Ile (NM_001007097.3, NM_001018064.3, NM_001018065.2 and 15 more transcripts); c.1225G>A, p.Val409Ile (NM_001291937.2, NM_001369546.1); c.1228G>A, p.Val410Ile (NM_001369534.1); c.796G>A, p.Val266Ile (NM_001369535.1, NM_001369536.1, NM_001369550.1 and 2 more transcripts); c.1264G>A (NM_006180.4); short protein forms V266I, V410I, V422I, V409I.
Identifiers: ClinVar variation 1376947 (VCV001376947.8), dbSNP rs137873897, ClinGen allele CA5105689.